The following is an entry in ClinVar:

ClinVar aggregate classification (germline): Uncertain significance (1 of 4 stars; one submission).

gnomAD v4.1: 1 of 1,607,438 alleles (0.000062%); highest among the groups gnomAD compares: African/African-American, 0.0013%; no homozygotes.

Submission:

Labcorp Genetics (formerly Invitae), Labcorp
Classification: Uncertain significance. Last evaluated: 2024-04-18. Review status: criteria provided, single submitter. Criteria: Invitae Variant Classification Sherloc (09022015). Collection method: clinical testing. Allele origin: germline.
Comment: This sequence change replaces glycine, which is neutral and non-polar, with serine, which is neutral and polar, at codon 66 of the MYO7A protein (p.Gly66Ser). This variant is present in population databases (no rsID available, gnomAD 0.01%). This variant has not been reported in the literature in individuals affected with MYO7A-related conditions. Advanced modeling of protein sequence and biophysical properties (such as structural, functional, and spatial information, amino acid conservation, physicochemical variation, residue mobility, and thermodynamic stability) has been performed at Invitae for this missense variant, however the output from this modeling did not meet the statistical confidence thresholds required to predict the impact of this variant on MYO7A protein function. In summary, the available evidence is currently insufficient to determine the role of this variant in disease. Therefore, it has been classified as a Variant of Uncertain Significance.

NM_000260.4(MYO7A):c.196G>A (p.Gly66Ser)

Gene: MYO7A (myosin VIIA; plus strand). Cytogenetic location: 11q13.5.
Variant type: single nucleotide variant.
Coding change: c.196G>A on transcript NM_000260.4 (MANE Select); coding-DNA position 196, G replaced by A.
Protein change: p.Gly66Ser; replaces glycine 66 with serine.
Molecular consequence: missense variant.
Genome position (GRCh38, 1-based): chr11:77,147,861, G>A. VCF-style: chr11-77147861-G-A. GRCh37 (hg19) VCF-style: chr11-76858907-G-A.
Other names: c.196G>A, p.Gly66Ser (NM_001127180.2); c.163G>A, p.Gly55Ser (NM_001369365.1); short protein forms G55S, G66S.
Identifiers: ClinVar variation 3634247 (VCV003634247.2).